The following is an entry in ClinVar:

ClinVar aggregate classification (germline): Benign/Likely benign. Review status: criteria provided, multiple submitters, no conflicts (2 of 4 stars). 10 submissions from 10 submitters: Benign (9); Likely benign (1). Last evaluated 2026-05-12.

Conditions:
Connective tissue disorder. Also called: Connective tissue disease. Identifiers: MedGen C0009782, MONDO:0003900.

Allele frequency attached by ClinVar (database versions not stated): ESP Exome Variant Server 0.00869; 1000 Genomes Project 30x 0.00312; 1000 Genomes Project 0.00319; ExAC 0.00672; gnomAD exomes 0.00690; TOPMed 0.00764; gnomAD 0.00770 and 0.00808.
gnomAD v4.1: 20,240 of 1,612,582 alleles (1.3%); highest among the groups gnomAD compares: Non-Finnish European, 1.6%; 171 homozygotes.

Submissions (10):

Women's Health and Genetics/Laboratory Corporation of America, LabCorp
Classification: Benign. Last evaluated: 2026-05-12. Review status: criteria provided, single submitter. Criteria: LabCorp Variant Classification Summary - May 2015. Collection method: clinical testing. Allele origin: germline.

Labcorp Genetics (formerly Invitae), Labcorp
Classification: Benign. Last evaluated: 2026-02-04. Review status: criteria provided, single submitter. Criteria: Invitae Variant Classification Sherloc (09022015). Collection method: clinical testing. Allele origin: germline.

ARUP Laboratories, Molecular Genetics and Genomics, ARUP Laboratories
Classification: Benign. Last evaluated: 2025-03-07. Review status: criteria provided, single submitter. Criteria: ARUP Molecular Germline Variant Investigation Process 2024. Collection method: clinical testing. Allele origin: germline.

Blueprint Genetics
Classification: Likely benign. Last evaluated: 2024-11-28. Review status: criteria provided, single submitter. Criteria: ACMG Guidelines, 2015. Collection method: clinical testing. Allele origin: germline.

CeGaT Center for Human Genetics Tuebingen
Classification: Benign. Last evaluated: 2024-07-01. Review status: criteria provided, single submitter. Criteria: CeGaT Center For Human Genetics Tuebingen Variant Classification Criteria Version 2. Collection method: clinical testing. Allele origin: germline. Affected: yes. Observed: 8 variant alleles.
Comment: COL9A3: BP4, BP7, BS1, BS2

Genome Diagnostics Laboratory, The Hospital for Sick Children
Classification: Benign for Connective tissue disorder. Last evaluated: 2022-02-07. Review status: criteria provided, single submitter. Criteria: ACMG Guidelines, 2015. Collection method: clinical testing. Allele origin: germline.

GeneDx
Classification: Benign. Last evaluated: 2019-07-03. Review status: criteria provided, single submitter. Criteria: GeneDx Variant Classification Process June 2021. Collection method: clinical testing. Allele origin: germline. Affected: yes.

Athena Diagnostics
Classification: Benign. Last evaluated: 2019-03-30. Review status: criteria provided, single submitter. Criteria: Athena Diagnostics Criteria. Collection method: clinical testing. Allele origin: germline.

Breakthrough Genomics
Classification: Benign. Review status: criteria provided, single submitter. Criteria: ACMG Guidelines, 2015. Collection method: not provided. Allele origin: germline. Inheritance: Autosomal recessive inheritance. Affected: yes.

PreventionGenetics, part of Exact Sciences
Classification: Benign. Review status: criteria provided, single submitter. Criteria: ACMG Guidelines, 2015. Collection method: clinical testing. Allele origin: germline.

NM_001853.4(COL9A3):c.1896C>T (p.Asp632=)

Gene: COL9A3 (collagen type IX alpha 3 chain; plus strand). Cytogenetic location: 20q13.33.
Variant type: single nucleotide variant.
Coding change: c.1896C>T on transcript NM_001853.4 (MANE Select); coding-DNA position 1896, C replaced by T.
Protein change: p.Asp632=; no amino-acid change (aspartic acid 632 retained).
Molecular consequence: synonymous variant.
Genome position (GRCh38, 1-based): chr20:62,840,573, C>T. VCF-style: chr20-62840573-C-T. GRCh37 (hg19) VCF-style: chr20-61471925-C-T.
Other names: c.1896C>T, p.Asp632= (LRG_1253t1).
Identifiers: ClinVar variation 258419 (VCV000258419.46), dbSNP rs74830351, ClinGen allele CA9950251.